The following is an entry in ClinVar:

NM_032409.3(PINK1):c.449G>A (p.Gly150Asp)

Gene: PINK1 (PTEN induced kinase 1; plus strand). Cytogenetic location: 1p36.12.
Variant type: single nucleotide variant.
Coding change: c.449G>A on transcript NM_032409.3 (MANE Select); coding-DNA position 449, G replaced by A.
Protein change: p.Gly150Asp; replaces glycine 150 with aspartic acid.
Molecular consequence: missense variant.
Genome position (GRCh38, 1-based): chr1:20,637,903, G>A. VCF-style: chr1-20637903-G-A. GRCh37 (hg19) VCF-style: chr1-20964396-G-A.
Other names: short protein forms G150D.
Identifiers: ClinVar variation 846127 (VCV000846127.10), dbSNP rs2053073251, ClinGen allele CA338856539.

ClinVar aggregate classification (germline): Uncertain significance (1 of 4 stars; one submission).

Conditions:
Autosomal recessive early-onset Parkinson disease 6 (PARK6). Also called: PARKINSON DISEASE 6, EARLY-ONSET; PARKINSON DISEASE 6, MODIFIER OF; PINK1-Related Parkinson Disease; PINK1 Type of Young-Onset Parkinson Disease. Identifiers: Orphanet 2828, MedGen C1853833, MONDO:0011613, OMIM 605909.

Allele frequency attached by ClinVar (database versions not stated): TOPMed below 0.00001; gnomAD 0.00001.
gnomAD v4.1: 7 of 1,614,112 alleles (0.00043%); highest among the groups gnomAD compares: Non-Finnish European, 0.00059%; no homozygotes.

Submission:

Labcorp Genetics (formerly Invitae), Labcorp
Classification: Uncertain significance for Autosomal recessive early-onset Parkinson disease 6. Last evaluated: 2019-11-22. Review status: criteria provided, single submitter. Criteria: Invitae Variant Classification Sherloc (09022015). Collection method: clinical testing. Allele origin: germline.
Comment: In summary, the available evidence is currently insufficient to determine the role of this variant in disease. Therefore, it has been classified as a Variant of Uncertain Significance. Algorithms developed to predict the effect of missense changes on protein structure and function are either unavailable or do not agree on the potential impact of this missense change (SIFT: "Tolerated"; PolyPhen-2: "Probably Damaging"; Align-GVGD: "Class C0"). This variant has not been reported in the literature in individuals with PINK1-related conditions. This variant is not present in population databases (ExAC no frequency). This sequence change replaces glycine with aspartic acid at codon 150 of the PINK1 protein (p.Gly150Asp). The glycine residue is highly conserved and there is a moderate physicochemical difference between glycine and aspartic acid.